The following is an entry in ClinVar:

ClinVar aggregate classification (germline): Uncertain significance. Review status: criteria provided, multiple submitters, no conflicts (2 of 4 stars). 3 submissions from 3 submitters: Uncertain significance (3). Last evaluated 2023-07-14.

Conditions:
Inborn genetic diseases. Identifiers: MedGen C0950123, MeSH D030342.

Submissions (3):

Ambry Genetics
Classification: Uncertain significance for Inborn genetic diseases. Last evaluated: 2023-07-14. Review status: criteria provided, single submitter. Criteria: Ambry Variant Classification Scheme 2023. Collection method: clinical testing. Allele origin: germline.

Blueprint Genetics
Classification: Uncertain significance. Last evaluated: 2022-09-09. Review status: criteria provided, single submitter. Criteria: ACMG Guidelines, 2015. Collection method: clinical testing. Allele origin: germline.

Labcorp Genetics (formerly Invitae), Labcorp
Classification: Uncertain significance. Last evaluated: 2022-07-06. Review status: criteria provided, single submitter. Criteria: Invitae Variant Classification Sherloc (09022015). Collection method: clinical testing. Allele origin: germline.
Comment: This sequence change replaces leucine, which is neutral and non-polar, with valine, which is neutral and non-polar, at codon 3024 of the EYS protein (p.Leu3024Val). This variant is not present in population databases (gnomAD no frequency). This variant has not been reported in the literature in individuals affected with EYS-related conditions. ClinVar contains an entry for this variant (Variation ID: 1404771). Algorithms developed to predict the effect of missense changes on protein structure and function are either unavailable or do not agree on the potential impact of this missense change (SIFT: "Deleterious"; PolyPhen-2: "Probably Damaging"; Align-GVGD: "Class C0"). In summary, the available evidence is currently insufficient to determine the role of this variant in disease. Therefore, it has been classified as a Variant of Uncertain Significance.

NM_001142800.2(EYS):c.9070T>G (p.Leu3024Val)

Genes: EYS (EGF-like photoreceptor maintenance factor; minus strand), PHF3 (PHD finger protein 3; plus strand). Cytogenetic location: 6q12.
Variant type: single nucleotide variant.
Coding change: c.9070T>G on transcript NM_001142800.2 (MANE Select); coding-DNA position 9070, T replaced by G.
Protein change: p.Leu3024Val; replaces leucine 3024 with valine.
Molecular consequence: missense variant. On other transcripts: 3 prime UTR variant (5).
Genome position (GRCh38, 1-based): chr6:63,720,961, A>C on the plus strand (T>G on the coding strand, the complement: EYS is on the minus strand). VCF-style: chr6-63720961-A-C. GRCh37 (hg19) VCF-style: chr6-64430857-A-C.
Other names: c.*7253A>C (NM_001290259.2, NM_001370348.2, NM_001370349.2 and 2 more transcripts); c.9133T>G, p.Leu3045Val (NM_001292009.2); short protein forms L3024V, L3045V.
Identifiers: ClinVar variation 1404771 (VCV001404771.10), dbSNP rs2149624125, ClinGen allele CA364383329.